The following is an entry in ClinVar:

ClinVar aggregate classification (germline): Uncertain significance. Review status: criteria provided, multiple submitters, no conflicts (2 of 4 stars). 2 submissions from 2 submitters: Uncertain significance (2). Last evaluated 2026-03-10.

Allele frequency attached by ClinVar (database versions not stated): gnomAD exomes 0.00001 and 0.00002; ExAC 0.00002; gnomAD 0.00002 and 0.00003; TOPMed 0.00002; ESP Exome Variant Server 0.00008.

Submissions (2):

GeneDx
Classification: Uncertain significance. Last evaluated: 2026-03-10. Review status: criteria provided, single submitter. Criteria: GeneDx Variant Classification Process June 2021. Collection method: clinical testing. Allele origin: germline.
Comment: Not observed at significant frequency in large population cohorts (gnomAD); In silico analysis suggests that this missense variant does not alter protein structure/function; Has not been previously published as pathogenic or benign to our knowledge

Athena Diagnostics
Classification: Uncertain significance. Last evaluated: 2017-02-22. Review status: criteria provided, single submitter. Criteria: Athena Diagnostics Criteria. Collection method: clinical testing. Allele origin: germline.

NM_014855.3(AP5Z1):c.1979G>A (p.Arg660Gln)

Gene: AP5Z1 (adaptor related protein complex 5 subunit zeta 1; plus strand). Cytogenetic location: 7p22.1.
Variant type: single nucleotide variant.
Coding change: c.1979G>A on transcript NM_014855.3 (MANE Select); coding-DNA position 1979, G replaced by A.
Protein change: p.Arg660Gln; replaces arginine 660 with glutamine.
Molecular consequence: missense variant. On other transcripts: non-coding transcript variant (1).
Genome position (GRCh38, 1-based): chr7:4,790,713, G>A. VCF-style: chr7-4790713-G-A. GRCh37 (hg19) VCF-style: chr7-4830344-G-A.
Other names: c.1511G>A, p.Arg504Gln (NM_001364858.1); c.1979G>A, p.Arg660Gln (LRG_1247t1); short protein forms R660Q, R504Q.
Identifiers: ClinVar variation 446848 (VCV000446848.2), dbSNP rs370999116, ClinGen allele CA4138248.